The following is an entry in ClinVar:

ClinVar aggregate classification (germline): Uncertain significance (1 of 4 stars; one submission).

Conditions:
Myopathy, tubular aggregate, 2 (TAM2). Identifiers: MedGen C4014557, MONDO:0014383, OMIM 615883.
Combined immunodeficiency due to ORAI1 deficiency. Also called: IMMUNODEFICIENCY 9. Identifiers: Orphanet 169090, Orphanet 317428, MedGen C2748568, MONDO:0013007, OMIM 612782.

Submission:

Labcorp Genetics (formerly Invitae), Labcorp
Classification: Uncertain significance for Myopathy, tubular aggregate, 2; Combined immunodeficiency due to ORAI1 deficiency. Last evaluated: 2024-10-21. Review status: criteria provided, single submitter. Criteria: Invitae Variant Classification Sherloc (09022015). Collection method: clinical testing. Allele origin: germline.
Comment: This sequence change replaces serine, which is neutral and polar, with isoleucine, which is neutral and non-polar, at codon 141 of the ORAI1 protein (p.Ser141Ile). This variant is not present in population databases (gnomAD no frequency). This variant has not been reported in the literature in individuals affected with ORAI1-related conditions. Experimental studies and prediction algorithms are not available or were not evaluated, and the functional significance of this variant is currently unknown. In summary, the available evidence is currently insufficient to determine the role of this variant in disease. Therefore, it has been classified as a Variant of Uncertain Significance.

NC_000012.12:g.121641159G>T

Gene: ORAI1 (ORAI calcium release-activated calcium modulator 1; plus strand). Cytogenetic location: 12q24.31.
Variant type: single nucleotide variant.
Molecular consequence: non-coding transcript variant (on NR_186857.1).
Genome position: GRCh38 VCF-style: chr12-121641159-G-T. GRCh37 (hg19) VCF-style: chr12-122079065-G-T.
Identifiers: ClinVar variation 3759541 (VCV003759541.2).